The following is an entry in ClinVar:

ClinVar aggregate classification (germline): Uncertain significance (1 of 4 stars; one submission).

Conditions:
Genitopatellar syndrome (GTPTS). Also called: Genitopatellar syndrome (GPS); ABSENT PATELLAE, SCROTAL HYPOPLASIA, RENAL ANOMALIES, FACIAL DYSMORPHISM, AND MENTAL RETARDATION. Identifiers: Orphanet 85201, MedGen C1853566, MONDO:0011640, OMIM 606170.
Blepharophimosis - intellectual disability syndrome, SBBYS type (SBBYSS). Also called: Say-Barber-Biesecker variant of Ohdo syndrome (SBBYSS); Say-Barber-Biesecker-Young-Simpson variant of Ohdo Syndrome; Say-Barber-Biesecker Variant of Ohdo Syndrome; Young Simpson syndrome; Mental retardation unusual facies hypothyroidism; Ohdo syndrome, SBBYS variant. Identifiers: Orphanet 3047, MedGen C1863557, MONDO:0011365, OMIM 603736.

Allele frequency attached by ClinVar (database versions not stated): gnomAD exomes below 0.00001 and 0.00004.
gnomAD v4.1: 62 of 1,614,048 alleles (0.0038%); highest among the groups gnomAD compares: Non-Finnish European, 0.005%; no homozygotes.

Submission:

Center for Genomics, Ann and Robert H. Lurie Children's Hospital of Chicago
Classification: Uncertain significance for Blepharophimosis - intellectual disability syndrome, SBBYS type; Genitopatellar syndrome. Last evaluated: 2021-03-30. Review status: criteria provided, single submitter. Criteria: ACMG Guidelines, 2015. Collection method: clinical testing. Allele origin: germline.
Comment: KAT6B NM_012330 exon 18 p.Asn1983Lys (c.5949C>A): This variant has not been reported in the literature but is present in 1/111712 European alleles in the Genome Aggregation Database. Evolutionary conservation and computational predictive tools suggest that this variant may impact the protein. In summary, data on this variant is insufficient for disease classification. Therefore, the clinical significance of this variant is uncertain.

NM_012330.4(KAT6B):c.5949C>A (p.Asn1983Lys)

Gene: KAT6B (lysine acetyltransferase 6B; plus strand). Cytogenetic location: 10q22.2.
Variant type: single nucleotide variant.
Coding change: c.5949C>A on transcript NM_012330.4 (MANE Select); coding-DNA position 5949, C replaced by A.
Protein change: p.Asn1983Lys; replaces asparagine 1983 with lysine.
Molecular consequence: missense variant.
Genome position (GRCh38, 1-based): chr10:75,030,773, C>A. VCF-style: chr10-75030773-C-A. GRCh37 (hg19) VCF-style: chr10-76790531-C-A.
Other names: c.5400C>A, p.Asn1800Lys (NM_001256468.2, NM_001370138.1); c.5073C>A, p.Asn1691Lys (NM_001256469.2, NM_001370139.1, NM_001370140.1 and 2 more transcripts); c.4911C>A, p.Asn1637Lys (NM_001370132.1); c.4260C>A, p.Asn1420Lys (NM_001370133.1); c.3864C>A, p.Asn1288Lys (NM_001370134.1); c.3606C>A, p.Asn1202Lys (NM_001370135.1); c.5949C>A, p.Asn1983Lys (NM_001370136.1, NM_001370137.1); c.4884C>A, p.Asn1628Lys (NM_001370143.1, NM_001370144.1); short protein forms N1983K, N1202K, N1800K, N1420K, N1628K, N1288K, N1637K, N1691K.
Identifiers: ClinVar variation 625965 (VCV000625965.2), dbSNP rs745470061, ClinGen allele CA209711260.